The following is an entry in ClinVar:

ClinVar aggregate classification (germline): Pathogenic (1 of 4 stars; one submission).

Conditions:
Congenital lactic acidosis, Saguenay-Lac-Saint-Jean type (MC4DN5). Also called: CYTOCHROME c OXIDASE DEFICIENCY, FRENCH CANADIAN TYPE; COX DEFICIENCY, FRENCH CANADIAN TYPE; MITOCHONDRIAL COMPLEX IV DEFICIENCY, NUCLEAR TYPE 5. Identifiers: Orphanet 70472, MedGen C1857355, MONDO:0009069, OMIM 220111.

Submission:

Myriad Genetics, Inc.
Classification: Pathogenic for Congenital lactic acidosis, Saguenay-Lac-Saint-Jean type. Last evaluated: 2025-05-23. Review status: criteria provided, single submitter. Criteria: Myriad Autosomal Dominant, Autosomal Recessive and X-Linked Classification Criteria (2023). Collection method: clinical testing. Allele origin: unknown.
Comment: NM_133259.3(LRPPRC):c.224_225delCT(S75Ffs*2) is expected to be pathogenic in the context of Leigh syndrome, French-Canadian type. This variant is predicted to lead to an abnormal or absent protein product due to the creation of a premature termination codon in LRPPRC, a gene where loss-of-function variants are known to be pathogenic. Please note: this variant was assessed in the context of healthy population screening.

NM_133259.4(LRPPRC):c.224_225del (p.Ser75fs)

Gene: LRPPRC (leucine rich pentatricopeptide repeat containing; minus strand). Cytogenetic location: 2p21.
Variant type: Deletion.
Coding change: c.224_225del on transcript NM_133259.4 (MANE Select); coding-DNA positions 224 to 225, 2 bases deleted (CT; older notation c.224_225delCT).
Protein change: p.Ser75fs; shifts the reading frame from serine 75.
Molecular consequence: frameshift variant.
Genome position (GRCh38, 1-based): chr2:43,982,359-43,982,360, AG deleted on the plus strand (CT on the coding strand, the reverse complement: LRPPRC is on the minus strand); deleting any 2 consecutive bases within chr2:43,982,359-43,982,361 gives the same sequence; the c. name uses the placement nearest the transcript's 3' end. VCF-style (leftmost placement, unchanged base first): chr2-43982358-AAG-A. GRCh37 (hg19) VCF-style: chr2-44209497-AAG-A.
Other names: short protein forms S75fs.
Identifiers: ClinVar variation 5014502 (VCV005014502.1).